The following is an entry in ClinVar:

ClinVar aggregate classification (germline): Uncertain significance (1 of 4 stars; one submission).

Conditions:
Combined immunodeficiency due to ORAI1 deficiency. Also called: IMMUNODEFICIENCY 9. Identifiers: Orphanet 169090, Orphanet 317428, MedGen C2748568, MONDO:0013007, OMIM 612782.
Myopathy, tubular aggregate, 2 (TAM2). Identifiers: MedGen C4014557, MONDO:0014383, OMIM 615883.

Submission:

Labcorp Genetics (formerly Invitae), Labcorp
Classification: Uncertain significance for Myopathy, tubular aggregate, 2; Combined immunodeficiency due to ORAI1 deficiency. Last evaluated: 2025-06-25. Review status: criteria provided, single submitter. Criteria: Invitae Variant Classification Sherloc (09022015). Collection method: clinical testing. Allele origin: germline.
Comment: This sequence change replaces proline, which is neutral and non-polar, with glutamine, which is neutral and polar, at codon 117 of the ORAI1 protein (p.Pro117Gln). This variant is not present in population databases (gnomAD no frequency). This variant has not been reported in the literature in individuals affected with ORAI1-related conditions. Experimental studies and prediction algorithms are not available or were not evaluated, and the functional significance of this variant is currently unknown. In summary, the available evidence is currently insufficient to determine the role of this variant in disease. Therefore, it has been classified as a Variant of Uncertain Significance.

NC_000012.12:g.121641087C>A

Gene: ORAI1 (ORAI calcium release-activated calcium modulator 1; plus strand). Cytogenetic location: 12q24.31.
Variant type: single nucleotide variant.
Molecular consequence: non-coding transcript variant (on NR_186857.1).
Genome position: GRCh38 VCF-style: chr12-121641087-C-A. GRCh37 (hg19) VCF-style: chr12-122078993-C-A.
Identifiers: ClinVar variation 4791619 (VCV004791619.1).